The following is an entry in ClinVar:

ClinVar aggregate classification (germline): Benign/Likely benign. Review status: criteria provided, multiple submitters, no conflicts (2 of 4 stars). 5 submissions from 5 submitters: Benign (1); Likely benign (4). Last evaluated 2025-12-15.

Allele frequency attached by ClinVar (database versions not stated): gnomAD 0.00037 and 0.00051; TOPMed 0.00042; ESP Exome Variant Server 0.00062; ExAC 0.00097; 1000 Genomes Project 30x 0.00156; 1000 Genomes Project 0.00180.
gnomAD v4.1: 1,160 of 1,613,808 alleles (0.072%); highest among the groups gnomAD compares: Middle Eastern, 0.54%; 3 homozygotes.

Submissions (5):

Labcorp Genetics (formerly Invitae), Labcorp
Classification: Benign. Last evaluated: 2025-12-15. Review status: criteria provided, single submitter. Criteria: Invitae Variant Classification Sherloc (09022015). Collection method: clinical testing. Allele origin: germline.

Blueprint Genetics
Classification: Likely benign. Last evaluated: 2024-11-25. Review status: criteria provided, single submitter. Criteria: ACMG Guidelines, 2015. Collection method: clinical testing. Allele origin: germline.

CeGaT Center for Human Genetics Tuebingen
Classification: Likely benign. Last evaluated: 2024-03-01. Review status: criteria provided, single submitter. Criteria: CeGaT Center For Human Genetics Tuebingen Variant Classification Criteria Version 2. Collection method: clinical testing. Allele origin: germline. Affected: yes. Observed: 2 variant alleles.
Comment: CEP63: BP4, BP7

Genetic Services Laboratory, University of Chicago
Classification: Likely benign. Last evaluated: 2017-06-22. Review status: criteria provided, single submitter. Criteria: ACMG Guidelines, 2015. Collection method: clinical testing. Allele origin: germline. Affected: no.

Breakthrough Genomics
Classification: Likely benign. Review status: criteria provided, single submitter. Criteria: ACMG Guidelines, 2015. Collection method: not provided. Allele origin: germline. Inheritance: Autosomal recessive inheritance. Affected: yes.

NM_001353108.3(CEP63):c.1620G>A (p.Arg540=)

Gene: CEP63 (centrosomal protein 63; plus strand). Cytogenetic location: 3q22.2.
Variant type: single nucleotide variant.
Coding change: c.1620G>A on transcript NM_001353108.3 (MANE Select); coding-DNA position 1620, G replaced by A.
Protein change: p.Arg540=; no amino-acid change (arginine 540 retained).
Molecular consequence: synonymous variant. On other transcripts: intron variant (17).
Genome position (GRCh38, 1-based): chr3:134,558,294, G>A. VCF-style: chr3-134558294-G-A. GRCh37 (hg19) VCF-style: chr3-134277136-G-A.
Other names: c.1482G>A, p.Arg494= (NM_001353109.1); c.1620G>A, p.Arg540= (NM_025180.5); c.1467+6282G>A (NM_001353113.1, NM_001353117.2); c.1329+6282G>A (NM_001042384.2, NM_001353124.2, NM_001353123.2); c.1330-3083G>A (NM_001353122.1, NM_001042383.2, NM_001353121.2 and 2 more transcripts); c.1468-3083G>A (NM_001353110.1, NM_001353112.2, NM_001353111.2 and 1 more transcripts); c.1357-3083G>A (NM_001353118.1); c.967-3083G>A (NM_001353126.2); and 1 more.
Identifiers: ClinVar variation 434749 (VCV000434749.41), dbSNP rs140668390, ClinGen allele CA2628726.
Genomic context (GRCh38, chr3:134,558,294, plus strand): 5'-GATGAATACCAAATCTCAGCTGGAGATTTCTACTCAGATGTGCAAAAAACAAAATGACAG[G>A]ATCTTTAAACCAACACACAGCAGAACAACTGAGTTCAAGAATACAGAGTTCAAGTAAAAT-3'
Protein context (NP_001340037.1, residues 530-550): STQMCKKQND[Arg540=]IFKPTHSRTT